The following is an entry in ClinVar:

NM_001039141.3(TRIOBP):c.5998G>A (p.Val2000Met)

Gene: TRIOBP (TRIO and F-actin binding protein; plus strand). Cytogenetic location: 22q13.1.
Variant type: single nucleotide variant.
Coding change: c.5998G>A on transcript NM_001039141.3 (MANE Select); coding-DNA position 5998, G replaced by A.
Protein change: p.Val2000Met; replaces valine 2000 with methionine.
Molecular consequence: missense variant.
Genome position (GRCh38, 1-based): chr22:37,757,923, G>A. VCF-style: chr22-37757923-G-A. GRCh37 (hg19) VCF-style: chr22-38153930-G-A.
Other names: c.859G>A, p.Val287Met (NM_007032.5, NM_138632.2); short protein forms V2000M, V287M.
Identifiers: ClinVar variation 3461710 (VCV003461710.2).

ClinVar aggregate classification (germline): Uncertain significance. Review status: criteria provided, multiple submitters, no conflicts (2 of 4 stars). 2 submissions from 2 submitters: Uncertain significance (2). Last evaluated 2024-09-08.

Conditions:
Inborn genetic diseases. Identifiers: MedGen C0950123, MeSH D030342.

gnomAD v4.1: 17 of 1,554,362 alleles (0.0011%); highest among the groups gnomAD compares: Middle Eastern, 0.017%; no homozygotes.

Submissions (2):

Ambry Genetics
Classification: Uncertain significance for Inborn genetic diseases. Last evaluated: 2024-09-08. Review status: criteria provided, single submitter. Criteria: Ambry Variant Classification Scheme 2023. Collection method: clinical testing. Allele origin: germline.

GeneDx
Classification: Uncertain significance. Last evaluated: 2024-08-06. Review status: criteria provided, single submitter. Criteria: GeneDx Variant Classification Process June 2021. Collection method: clinical testing. Allele origin: germline. Affected: yes.
Comment: In silico analysis indicates that this missense variant does not alter protein structure/function; Has not been previously published as pathogenic or benign to our knowledge